The following is an entry in ClinVar:

ClinVar aggregate classification (germline): Uncertain significance (1 of 4 stars; one submission).

gnomAD v4.1: 2 of 1,614,250 alleles (0.00012%); highest among the groups gnomAD compares: Admixed American, 0.0033%; no homozygotes.

Submission:

Labcorp Genetics (formerly Invitae), Labcorp
Classification: Uncertain significance. Last evaluated: 2024-05-22. Review status: criteria provided, single submitter. Criteria: Invitae Variant Classification Sherloc (09022015). Collection method: clinical testing. Allele origin: germline.
Comment: This sequence change replaces threonine, which is neutral and polar, with proline, which is neutral and non-polar, at codon 250 of the BACH2 protein (p.Thr250Pro). This variant is present in population databases (rs761404212, gnomAD 0.006%). This variant has not been reported in the literature in individuals affected with BACH2-related conditions. Advanced modeling of protein sequence and biophysical properties (such as structural, functional, and spatial information, amino acid conservation, physicochemical variation, residue mobility, and thermodynamic stability) has been performed at Invitae for this missense variant, however the output from this modeling did not meet the statistical confidence thresholds required to predict the impact of this variant on BACH2 protein function. In summary, the available evidence is currently insufficient to determine the role of this variant in disease. Therefore, it has been classified as a Variant of Uncertain Significance.

NM_021813.4(BACH2):c.748A>C (p.Thr250Pro)

Gene: BACH2 (BACH transcriptional regulator 2; minus strand). Cytogenetic location: 6q15.
Variant type: single nucleotide variant.
Coding change: c.748A>C on transcript NM_021813.4 (MANE Select); coding-DNA position 748, A replaced by C.
Protein change: p.Thr250Pro; replaces threonine 250 with proline.
Molecular consequence: missense variant.
Genome position (GRCh38, 1-based): chr6:89,951,358, T>G on the plus strand (A>C on the coding strand, the complement: BACH2 is on the minus strand). VCF-style: chr6-89951358-T-G. GRCh37 (hg19) VCF-style: chr6-90661077-T-G.
Other names: c.748A>C, p.Thr250Pro (NM_001170794.2); short protein forms T250P.
Identifiers: ClinVar variation 3700651 (VCV003700651.2).